The following is an entry in ClinVar:

NM_000138.5(FBN1):c.2398C>G (p.Pro800Ala)

Gene: FBN1 (fibrillin 1; minus strand). Cytogenetic location: 15q21.1.
Variant type: single nucleotide variant.
Coding change: c.2398C>G on transcript NM_000138.5 (MANE Select); coding-DNA position 2398, C replaced by G.
Protein change: p.Pro800Ala; replaces proline 800 with alanine.
Molecular consequence: missense variant.
Genome position (GRCh38, 1-based): chr15:48,496,121, G>C on the plus strand (C>G on the coding strand, the complement: FBN1 is on the minus strand). VCF-style: chr15-48496121-G-C. GRCh37 (hg19) VCF-style: chr15-48788318-G-C.
Other names: c.2398C>G, p.Pro800Ala (NM_001406716.1); short protein forms P800A.
Identifiers: ClinVar variation 1790647 (VCV001790647.4), dbSNP rs2505573438, ClinGen allele CA392335222.
Genomic context (GRCh38, chr15:48,496,121, plus strand): 5'-TAGCAAAGTACACAGTATAAGAACAAAAATATGGTTTACCTTCACATGTTTTTAGATCAG[G>C]TTTGTAGATAAATCCCTTGGGGCAGGTACAGACAAAACTTCCAGGAGTATTTCTACATTG-3'
Protein context (NP_000129.3, residues 790-810): CTCPKGFIYK[Pro800Ala]DLKTCEDIDE

ClinVar aggregate classification (germline): Uncertain significance. Review status: criteria provided, multiple submitters, no conflicts (2 of 4 stars). 2 submissions from 2 submitters: Uncertain significance (2). Last evaluated 2025-01-03.

Conditions:
Marfan syndrome (MFS). Also called: Marfan's syndrome; Marfan syndrome, classic; MARFAN SYNDROME, TYPE I; Marfan syndrome type 1; FBN1-Related Marfan Syndrome. Identifiers: Orphanet 284963, Orphanet 558, MedGen C0024796, MONDO:0007947, OMIM 154700.
Familial thoracic aortic aneurysm and aortic dissection (TAAD). Also called: Thoracic aortic aneurysms and dissections. Identifiers: Orphanet 91387, MedGen C4707243, MONDO:0019625.

Submissions (2):

Labcorp Genetics (formerly Invitae), Labcorp
Classification: Uncertain significance for Marfan syndrome; Familial thoracic aortic aneurysm and aortic dissection. Last evaluated: 2025-01-03. Review status: criteria provided, single submitter. Criteria: Invitae Variant Classification Sherloc (09022015). Collection method: clinical testing. Allele origin: germline.
Comment: This sequence change replaces proline, which is neutral and non-polar, with alanine, which is neutral and non-polar, at codon 800 of the FBN1 protein (p.Pro800Ala). This variant is not present in population databases (gnomAD no frequency). This variant has not been reported in the literature in individuals affected with FBN1-related conditions. ClinVar contains an entry for this variant (Variation ID: 1790647). Invitae Evidence Modeling of protein sequence and biophysical properties (such as structural, functional, and spatial information, amino acid conservation, physicochemical variation, residue mobility, and thermodynamic stability) has been performed for this missense variant. However, the output from this modeling did not meet the statistical confidence thresholds required to predict the impact of this variant on FBN1 protein function. In summary, the available evidence is currently insufficient to determine the role of this variant in disease. Therefore, it has been classified as a Variant of Uncertain Significance.

Ambry Genetics
Classification: Uncertain significance for Familial thoracic aortic aneurysm and aortic dissection. Last evaluated: 2020-10-08. Review status: criteria provided, single submitter. Criteria: Ambry Variant Classification Scheme 2023. Collection method: clinical testing. Allele origin: germline.
Comment: The p.P800A variant (also known as c.2398C>G), located in coding exon 19 of the FBN1 gene, results from a C to G substitution at nucleotide position 2398. The proline at codon 800 is replaced by alanine, an amino acid with highly similar properties. This amino acid position is well conserved in available vertebrate species. In addition, the in silico prediction for this alteration is inconclusive. Since supporting evidence is limited at this time, the clinical significance of this alteration remains unclear.